The following is an entry in ClinVar:

ClinVar aggregate classification (germline): Uncertain significance (1 of 4 stars; one submission).

Submission:

Ambry Genetics
Classification: Uncertain significance. Last evaluated: 2022-04-24. Review status: criteria provided, single submitter. Criteria: Ambry Variant Classification Scheme 2023. Collection method: clinical testing. Allele origin: germline.
Comment: The p.G278A variant (also known as c.833G>C), located in coding exon 4 of the GALNT12 gene, results from a G to C substitution at nucleotide position 833. The glycine at codon 278 is replaced by alanine, an amino acid with similar properties. This amino acid position is conserved. In addition, the in silico prediction for this alteration is inconclusive. Since supporting evidence is limited at this time, the clinical significance of this alteration remains unclear.

NM_024642.5(GALNT12):c.833G>C (p.Gly278Ala)

Gene: GALNT12 (polypeptide N-acetylgalactosaminyltransferase 12; plus strand). Cytogenetic location: 9q22.33.
Variant type: single nucleotide variant.
Coding change: c.833G>C on transcript NM_024642.5 (MANE Select); coding-DNA position 833, G replaced by C.
Protein change: p.Gly278Ala; replaces glycine 278 with alanine.
Molecular consequence: missense variant.
Genome position (GRCh38, 1-based): chr9:98,831,873, G>C. VCF-style: chr9-98831873-G-C. GRCh37 (hg19) VCF-style: chr9-101594155-G-C.
Other names: short protein forms G278A.
Identifiers: ClinVar variation 1762991 (VCV001762991.2), dbSNP rs1399071502, ClinGen allele CA374218104.